The following is an entry in ClinVar:

NM_022168.4(IFIH1):c.1046A>T (p.Lys349Met)

Gene: IFIH1 (interferon induced with helicase C domain 1; minus strand). Cytogenetic location: 2q24.2.
Variant type: single nucleotide variant.
Coding change: c.1046A>T on transcript NM_022168.4 (MANE Select); coding-DNA position 1046, A replaced by T.
Protein change: p.Lys349Met; replaces lysine 349 with methionine.
Molecular consequence: missense variant.
Genome position (GRCh38, 1-based): chr2:162,288,184, T>A on the plus strand (A>T on the coding strand, the complement: IFIH1 is on the minus strand). VCF-style: chr2-162288184-T-A. GRCh37 (hg19) VCF-style: chr2-163144694-T-A.
Other names: short protein forms K349M.
Identifiers: ClinVar variation 1059711 (VCV001059711.9), dbSNP rs72650664, ClinGen allele CA1934646.

ClinVar aggregate classification (germline): Uncertain significance (1 of 4 stars; one submission).

Conditions:
Singleton-Merten syndrome 1 (SGMRT1). Also called: Widened medullary cavities of bone, aortic calcification, abnormal dentition, and muscular weakness; Syndrome of widened medullary cavities of the metacarpals and phalanges, aortic calcification and abnormal dentition. Identifiers: Orphanet 85191, MedGen C4225427, MONDO:0024535, OMIM 182250.
Aicardi-Goutieres syndrome 7 (AGS7). Identifiers: Orphanet 51, MedGen C3888244, MONDO:0014367, OMIM 615846.

gnomAD v4.1: 1 of 1,612,696 alleles (0.000062%); highest among the groups gnomAD compares: Non-Finnish European, 0.000085%; no homozygotes.

Submission:

Labcorp Genetics (formerly Invitae), Labcorp
Classification: Uncertain significance for Aicardi-Goutieres syndrome 7; Singleton-Merten syndrome 1. Last evaluated: 2020-09-15. Review status: criteria provided, single submitter. Criteria: Invitae Variant Classification Sherloc (09022015). Collection method: clinical testing. Allele origin: germline.
Comment: In summary, the available evidence is currently insufficient to determine the role of this variant in disease. Therefore, it has been classified as a Variant of Uncertain Significance. Algorithms developed to predict the effect of missense changes on protein structure and function are either unavailable or do not agree on the potential impact of this missense change (SIFT: "Tolerated"; PolyPhen-2: "Possibly Damaging"; Align-GVGD: "Class C0"). This variant has not been reported in the literature in individuals with IFIH1-related conditions. This variant is present in population databases (rs72650664, ExAC 0.002%). This sequence change replaces lysine with methionine at codon 349 of the IFIH1 protein (p.Lys349Met). The lysine residue is moderately conserved and there is a moderate physicochemical difference between lysine and methionine.